The following is an entry in ClinVar:

ClinVar aggregate classification (germline): Uncertain significance (1 of 4 stars; one submission).

Submission:

GeneDx
Classification: Uncertain significance. Last evaluated: 2024-07-14. Review status: criteria provided, single submitter. Criteria: GeneDx Variant Classification Process June 2021. Collection method: clinical testing. Allele origin: germline. Affected: yes.
Comment: Nonsense variant predicted to result in protein truncation as the last 375 amino acids are lost, although loss-of-function variants have not been reported downstream of this position in the protein; Not observed at significant frequency in large population cohorts (gnomAD); Has not been previously published as pathogenic or benign to our knowledge

NM_006160.4(NEUROD2):c.22G>T (p.Glu8Ter)

Gene: NEUROD2 (neuronal differentiation 2; minus strand). Cytogenetic location: 17q12.
Variant type: single nucleotide variant.
Coding change: c.22G>T on transcript NM_006160.4 (MANE Select); coding-DNA position 22, G replaced by T.
Protein change: p.Glu8Ter; replaces glutamic acid 8 with a stop codon.
Molecular consequence: nonsense.
Genome position (GRCh38, 1-based): chr17:39,606,578, C>A on the plus strand (G>T on the coding strand, the complement: NEUROD2 is on the minus strand). VCF-style: chr17-39606578-C-A. GRCh37 (hg19) VCF-style: chr17-37762831-C-A.
Other names: short protein forms E8*.
Identifiers: ClinVar variation 3573761 (VCV003573761.1).